The following is an entry in ClinVar:

NM_001042492.3(NF1):c.43A>G (p.Ser15Gly)

Genes: MIR4733HG (MIR4733 host gene; minus strand), NF1 (neurofibromin 1; plus strand), LOC111811965 (NF1 (neurofibromin 1) promoter region; plus strand). Cytogenetic location: 17q11.2.
Variant type: single nucleotide variant.
Coding change: c.43A>G on transcript NM_001042492.3 (MANE Select); coding-DNA position 43, A replaced by G.
Protein change: p.Ser15Gly; replaces serine 15 with glycine.
Molecular consequence: missense variant. On other transcripts: non-coding transcript variant (1).
Genome position (GRCh38, 1-based): chr17:31,095,352, A>G. VCF-style: chr17-31095352-A-G. GRCh37 (hg19) VCF-style: chr17-29422370-A-G.
Other names: c.43A>G, p.Ser15Gly (NM_000267.4, NM_001128147.3); short protein forms S15G.
Identifiers: ClinVar variation 3572037 (VCV003572037.3).

ClinVar aggregate classification (germline): Uncertain significance. Review status: criteria provided, multiple submitters, no conflicts (2 of 4 stars). 2 submissions from 2 submitters: Uncertain significance (2). Last evaluated 2024-12-09.

Conditions:
Neurofibromatosis, type 1 (NF1). Also called: Neurofibromatosis, type I; VON RECKLINGHAUSEN DISEASE; Peripheral type neurofibromatosis; NEUROFIBROMATOSIS, TYPE I, SOMATIC. Identifiers: Orphanet 636, MedGen C0027831, MONDO:0018975, OMIM 162200. Disease mechanism: loss of function.

Submissions (2):

Labcorp Genetics (formerly Invitae), Labcorp
Classification: Uncertain significance for Neurofibromatosis, type 1. Last evaluated: 2024-12-09. Review status: criteria provided, single submitter. Criteria: Invitae Variant Classification Sherloc (09022015). Collection method: clinical testing. Allele origin: germline.
Comment: This sequence change replaces serine, which is neutral and polar, with glycine, which is neutral and non-polar, at codon 15 of the NF1 protein (p.Ser15Gly). This variant is not present in population databases (gnomAD no frequency). This variant has not been reported in the literature in individuals affected with NF1-related conditions. Invitae Evidence Modeling of protein sequence and biophysical properties (such as structural, functional, and spatial information, amino acid conservation, physicochemical variation, residue mobility, and thermodynamic stability) indicates that this missense variant is not expected to disrupt NF1 protein function with a negative predictive value of 95%. In summary, the available evidence is currently insufficient to determine the role of this variant in disease. Therefore, it has been classified as a Variant of Uncertain Significance.

Quest Diagnostics Nichols Institute San Juan Capistrano
Classification: Uncertain significance. Last evaluated: 2023-10-13. Review status: criteria provided, single submitter. Criteria: Quest Diagnostics criteria. Collection method: clinical testing. Allele origin: unknown.